The following is an entry in ClinVar:

ClinVar aggregate classification (germline): Uncertain significance (1 of 4 stars; one submission).

Conditions:
Developmental and epileptic encephalopathy. Identifiers: MedGen C5779964, MONDO:0100620.

Submission:

Labcorp Genetics (formerly Invitae), Labcorp
Classification: Uncertain significance for Early-infantile DEE. Last evaluated: 2020-02-17. Review status: criteria provided, single submitter. Criteria: Invitae Variant Classification Sherloc (09022015). Collection method: clinical testing. Allele origin: germline.
Comment: This sequence change replaces aspartic acid with asparagine at codon 888 of the CACNA2D2 protein (p.Asp888Asn). The aspartic acid residue is highly conserved and there is a small physicochemical difference between aspartic acid and asparagine. This variant is not present in population databases (ExAC no frequency). This variant has not been reported in the literature in individuals with CACNA2D2-related conditions. Algorithms developed to predict the effect of missense changes on protein structure and function are either unavailable or do not agree on the potential impact of this missense change (SIFT: "Deleterious"; PolyPhen-2: "Probably Damaging"; Align-GVGD: "Class C15"). In summary, the available evidence is currently insufficient to determine the role of this variant in disease. Therefore, it has been classified as a Variant of Uncertain Significance.

NM_006030.4(CACNA2D2):c.2662G>A (p.Asp888Asn)

Genes: CACNA2D2 (calcium voltage-gated channel auxiliary subunit alpha2delta 2; minus strand), LOC101928965 (uncharacterized LOC101928965; plus strand), LOC127898564 (CYB561D2-LOC101928965; plus strand). Cytogenetic location: 3p21.31.
Variant type: single nucleotide variant.
Coding change: c.2662G>A on transcript NM_006030.4 (MANE Select); coding-DNA position 2662, G replaced by A.
Protein change: p.Asp888Asn; replaces aspartic acid 888 with asparagine.
Molecular consequence: missense variant. On other transcripts: non-coding transcript variant (3).
Genome position (GRCh38, 1-based): chr3:50,366,314, C>T on the plus strand (G>A on the coding strand, the complement: CACNA2D2 is on the minus strand). VCF-style: chr3-50366314-C-T. GRCh37 (hg19) VCF-style: chr3-50403745-C-T.
Other names: c.2662G>A, p.Asp888Asn (NM_001005505.3); c.2683G>A, p.Asp895Asn (NM_001174051.3); c.2455G>A, p.Asp819Asn (NM_001291101.1); short protein forms D819N, D888N, D895N.
Identifiers: ClinVar variation 1052027 (VCV001052027.5), dbSNP rs2109403552, ClinGen allele CA352906817.